The following is an entry in ClinVar:

NM_001349206.2(LPIN1):c.1651A>T (p.Asn551Tyr)

Gene: LPIN1 (lipin 1; plus strand). Cytogenetic location: 2p25.1.
Variant type: single nucleotide variant.
Coding change: c.1651A>T on transcript NM_001349206.2 (MANE Select); coding-DNA position 1651, A replaced by T.
Protein change: p.Asn551Tyr; replaces asparagine 551 with tyrosine.
Molecular consequence: missense variant. On other transcripts: non-coding transcript variant (1).
Genome position (GRCh38, 1-based): chr2:11,788,394, A>T. VCF-style: chr2-11788394-A-T. GRCh37 (hg19) VCF-style: chr2-11928520-A-T.
Other names: c.1543A>T (NM_145693.1); c.1561A>T, p.Asn521Tyr (NM_001261427.3); c.1798A>T, p.Asn600Tyr (NM_001261428.3); c.1543A>T, p.Asn515Tyr (NM_001349199.2, NM_001349200.2, NM_001349201.2 and 1 more transcripts); c.1648A>T, p.Asn550Tyr (NM_001349202.2, NM_001349203.2); c.1651A>T, p.Asn551Tyr (NM_001349204.2, NM_001349205.2); c.1741A>T, p.Asn581Tyr (NM_001349207.2); c.1690A>T, p.Asn564Tyr (NM_001349208.2); short protein forms N521Y, N551Y, N515Y, N550Y, N564Y, N581Y, N600Y.
Identifiers: ClinVar variation 1406492 (VCV001406492.7), dbSNP rs751535374, ClinGen allele CA1533797.
Genomic context (GRCh38, chr2:11,788,394, plus strand): 5'-GTTTTCAGTCTGAGCCTCGGTTTTTTGACATATATTTCATTGTTTTGTGTTAGATATTAT[A>T]ACTGGACAACAGCAGCACCCCTCCTCCTGGCAATGCAGGCCTTCCAGAAACCTTTGCCAA-3'
Protein context (NP_001336135.1, residues 541-561): LVVKIGSKYY[Asn551Tyr]WTTAAPLLLA

ClinVar aggregate classification (germline): Uncertain significance. Review status: criteria provided, multiple submitters, no conflicts (2 of 4 stars). 4 submissions from 4 submitters: Uncertain significance (4). Last evaluated 2025-09-02.

Conditions:
Inborn genetic diseases. Identifiers: MedGen C0950123, MeSH D030342.
Myoglobinuria, acute recurrent, autosomal recessive. Also called: MYOGLOBINURIA, FAMILIAL PAROXYSMAL PARALYTIC; Myoglobinuria, recurrent, autosomal recessive; RHABDOMYOLYSIS, ACUTE RECURRENT. Identifiers: Orphanet 99845, MedGen C1849386, MONDO:0009992, OMIM 268200.

Allele frequency attached by ClinVar (database versions not stated): TOPMed 0.00003; gnomAD 0.00006; gnomAD exomes 0.00006 and 0.00008; ExAC 0.00010.
gnomAD v4.1: 98 of 1,613,146 alleles (0.0061%); highest among the groups gnomAD compares: Non-Finnish European, 0.0082%; 1 homozygote.

Submissions (4):

Labcorp Genetics (formerly Invitae), Labcorp
Classification: Uncertain significance. Last evaluated: 2025-09-02. Review status: criteria provided, single submitter. Criteria: Invitae Variant Classification Sherloc (09022015). Collection method: clinical testing. Allele origin: germline.
Comment: This sequence change replaces asparagine, which is neutral and polar, with tyrosine, which is neutral and polar, at codon 515 of the LPIN1 protein (p.Asn515Tyr). This variant is present in population databases (rs751535374, gnomAD 0.02%). This variant has not been reported in the literature in individuals affected with LPIN1-related conditions. ClinVar contains an entry for this variant (Variation ID: 1406492). Invitae Evidence Modeling of protein sequence and biophysical properties (such as structural, functional, and spatial information, amino acid conservation, physicochemical variation, residue mobility, and thermodynamic stability) indicates that this missense variant is expected to disrupt LPIN1 protein function with a positive predictive value of 80%. In summary, the available evidence is currently insufficient to determine the role of this variant in disease. Therefore, it has been classified as a Variant of Uncertain Significance.

Blueprint Genetics
Classification: Uncertain significance. Last evaluated: 2024-11-22. Review status: criteria provided, single submitter. Criteria: ACMG Guidelines, 2015. Collection method: clinical testing. Allele origin: germline.

Ambry Genetics
Classification: Uncertain significance for Inborn genetic diseases. Last evaluated: 2022-10-05. Review status: criteria provided, single submitter. Criteria: Ambry Variant Classification Scheme 2023. Collection method: clinical testing. Allele origin: germline.

Fulgent Genetics
Classification: Uncertain significance for Myoglobinuria, acute recurrent, autosomal recessive. Last evaluated: 2021-12-28. Review status: criteria provided, single submitter. Criteria: ACMG Guidelines, 2015. Collection method: clinical testing. Allele origin: unknown.